The following is an entry in ClinVar:

ClinVar aggregate classification (germline): Likely benign. Review status: criteria provided, multiple submitters, no conflicts (2 of 4 stars). 4 submissions from 4 submitters: Likely benign (3). 1 of the submissions does not count toward it. Last evaluated 2025-08-12.

Conditions:
MACF1-related disorder. Also called: MACF1-related condition.
Inborn genetic diseases. Identifiers: MedGen C0950123, MeSH D030342.

Allele frequency attached by ClinVar (database versions not stated): gnomAD exomes 0.00006; ExAC 0.00025; 1000 Genomes Project 0.00060; ESP Exome Variant Server 0.00069; TOPMed 0.00088; gnomAD 0.00091; 1000 Genomes Project 30x 0.00094.
gnomAD v4.1: 242 of 1,614,118 alleles (0.015%); highest among the groups gnomAD compares: African/African-American, 0.28%; no homozygotes.

Submissions (4):

Labcorp Genetics (formerly Invitae), Labcorp
Classification: Likely benign. Last evaluated: 2025-08-12. Review status: criteria provided, single submitter. Criteria: Invitae Variant Classification Sherloc (09022015). Collection method: clinical testing. Allele origin: germline.

Blueprint Genetics
Classification: Likely benign. Last evaluated: 2024-06-28. Review status: criteria provided, single submitter. Criteria: ACMG Guidelines, 2015. Collection method: clinical testing. Allele origin: germline.

Ambry Genetics
Classification: Likely benign for Inborn genetic diseases. Last evaluated: 2021-07-14. Review status: criteria provided, single submitter. Criteria: Ambry Variant Classification Scheme 2023. Collection method: clinical testing. Allele origin: germline.

PreventionGenetics, part of Exact Sciences
Classification: Likely benign for MACF1-related condition. Last evaluated: 2022-05-27. Review status: no assertion criteria provided. Collection method: clinical testing. Allele origin: germline. Not counted in ClinVar's aggregate classification.
Comment: This variant is classified as likely benign based on ACMG/AMP sequence variant interpretation guidelines (Richards et al. 2015 PMID: 25741868, with internal and published modifications).

NM_001394062.1(MACF1):c.11135C>T (p.Thr3712Ile)

Gene: MACF1 (microtubule actin crosslinking factor 1; plus strand). Cytogenetic location: 1p34.3.
Variant type: single nucleotide variant.
Coding change: c.11135C>T on transcript NM_001394062.1 (MANE Select); coding-DNA position 11135, C replaced by T.
Protein change: p.Thr3712Ile; replaces threonine 3712 with isoleucine.
Molecular consequence: missense variant.
Genome position (GRCh38, 1-based): chr1:39,350,954, C>T. VCF-style: chr1-39350954-C-T. GRCh37 (hg19) VCF-style: chr1-39816626-C-T.
Other names: c.4949C>T, p.Thr1650Ile (NM_012090.5); short protein forms T1650I, T3712I.
Identifiers: ClinVar variation 2306258 (VCV002306258.8), dbSNP rs116162513, ClinGen allele CA781520.